The following is an entry in ClinVar:

NM_139318.5(KCNH5):c.2182G>A (p.Asp728Asn)

Gene: KCNH5 (potassium voltage-gated channel subfamily H member 5; minus strand). Cytogenetic location: 14q23.2.
Variant type: single nucleotide variant.
Coding change: c.2182G>A on transcript NM_139318.5 (MANE Select); coding-DNA position 2182, G replaced by A.
Protein change: p.Asp728Asn; replaces aspartic acid 728 with asparagine.
Molecular consequence: missense variant. On other transcripts: 3 prime UTR variant (1).
Genome position (GRCh38, 1-based): chr14:62,708,293, C>T on the plus strand (G>A on the coding strand, the complement: KCNH5 is on the minus strand). VCF-style: chr14-62708293-C-T. GRCh37 (hg19) VCF-style: chr14-63175011-C-T.
Other names: c.*149G>A (NM_172375.3); short protein forms D728N.
Identifiers: ClinVar variation 4538485 (VCV004538485.1).

ClinVar aggregate classification (germline): Uncertain significance (1 of 4 stars; one submission).

Conditions:
Developmental and epileptic encephalopathy 112. Identifiers: MedGen C5882700, MONDO:0957812, OMIM 620537.

Submission:

Genetics Department, Catlab
Classification: Uncertain significance for Developmental and epileptic encephalopathy 112. Last evaluated: 2025-12-18. Review status: criteria provided, single submitter. Criteria: ACMG Guidelines, 2015. Collection method: clinical testing. Allele origin: germline. Affected: yes.
Comment: The c.2182G>A missense variant changes an aspartic acid at position 728 of the protein for an asparagine. The variant is absent from the gnomAD v4.1 (PM2_moderate) and the missense z-score associated to KCNH5 is 3.74 (PP2_supporting). With all the available evidence, the variant is classified as of uncertain significance.